The following is an entry in ClinVar:

ClinVar aggregate classification (germline): Likely pathogenic (1 of 4 stars; one submission).

Conditions:
Autosomal recessive nonsyndromic hearing loss 77. Identifiers: Orphanet 90636, MedGen C2746083, MONDO:0013119, OMIM 613079.

Submission:

Myriad Genetics, Inc.
Classification: Likely pathogenic for Autosomal recessive nonsyndromic hearing loss 77. Last evaluated: 2021-12-17. Review status: criteria provided, single submitter. Criteria: Myriad Women's Health Autosomal Recessive and X-Linked Classification Criteria (2021). Collection method: clinical testing. Allele origin: unknown.
Comment: NM_144612.6(LOXHD1):c.1933C>T(Q645*) is expected to be pathogenic in the context of LOXHD1-related DFNB77 hearing loss and deafness. This variant is predicted to lead to an abnormal or absent protein product due to the creation of a premature termination codon in LOXHD1, a gene where loss-of-function variants are known to be pathogenic. Please note: this variant was assessed in the context of healthy population screening.

NM_001384474.1(LOXHD1):c.1933C>T (p.Gln645Ter)

Gene: LOXHD1 (lipoxygenase homology PLAT domains 1; minus strand). Cytogenetic location: 18q21.1.
Variant type: single nucleotide variant.
Coding change: c.1933C>T on transcript NM_001384474.1 (MANE Select); coding-DNA position 1933, C replaced by T.
Protein change: p.Gln645Ter; replaces glutamine 645 with a stop codon.
Molecular consequence: nonsense.
Genome position (GRCh38, 1-based): chr18:46,577,744, G>A on the plus strand (C>T on the coding strand, the complement: LOXHD1 is on the minus strand). VCF-style: chr18-46577744-G-A. GRCh37 (hg19) VCF-style: chr18-44157707-G-A.
Other names: c.1933C>T, p.Gln645Ter (NM_144612.7); short protein forms Q645*.
Identifiers: ClinVar variation 1726536 (VCV001726536.2), dbSNP rs2511882803, ClinGen allele CA402377921.